The following is an entry in ClinVar:

NM_001354604.2(MITF):c.880+9C>G

Gene: MITF (melanocyte inducing transcription factor; plus strand). Cytogenetic location: 3p13.
Variant type: single nucleotide variant.
Coding change: c.880+9C>G on transcript NM_001354604.2 (MANE Select); 9 bases into the intron after coding-DNA position 880, C replaced by G.
Molecular consequence: intron variant.
Genome position (GRCh38, 1-based): chr3:69,949,177, C>G. VCF-style: chr3-69949177-C-G. GRCh37 (hg19) VCF-style: chr3-69998328-C-G.
Other names: c.829+9C>G (NM_001354607.2); c.724+9C>G (NM_001354608.2, NM_001184967.2); c.880+9C>G (NM_198159.3); c.877+9C>G (NM_001354605.2, NM_001354606.2, NM_006722.3); c.832+9C>G (NM_198177.3); c.559+9C>G (NM_000248.4, NM_198158.3); c.391+9C>G (NM_198178.3).
Identifiers: ClinVar variation 226729 (VCV000226729.36), dbSNP rs181810413, ClinGen allele CA2490493.

ClinVar aggregate classification (germline): Benign/Likely benign. Review status: criteria provided, multiple submitters, no conflicts (2 of 4 stars). 19 submissions from 17 submitters: Benign (9); Likely benign (7). 3 of the submissions do not count toward it. Last evaluated 2026-02-03.

Conditions:
Waardenburg syndrome type 2. Identifiers: Orphanet 895, MedGen C2700265, MONDO:0019517.
Tietz syndrome (TADS). Also called: TIETZ ALBINISM-DEAFNESS SYNDROME; ALBINISM-DEAFNESS OF TIETZ; HYPOPIGMENTATION/DEAFNESS OF TIETZ. Identifiers: Orphanet 42665, MedGen C0391816, MONDO:0007077, OMIM 103500.
Waardenburg syndrome type 2A (WS2A). Also called: WAARDENBURG SYNDROME WITHOUT DYSTOPIA CANTHORUM. Identifiers: Orphanet 3440, MedGen C1860339, MONDO:0008671, OMIM 193510.
Melanoma, cutaneous malignant, susceptibility to, 8. Also called: MELANOMA AND RENAL CELL CARCINOMA, SUSCEPTIBILITY TO; Cutaneous malignant melanoma 8. Identifiers: Orphanet 293822, MedGen C3152204, MONDO:0013759, OMIM 614456.
Hereditary cancer-predisposing syndrome. Also called: Hereditary Cancer Syndrome; Tumor predisposition; Neoplastic Syndromes, Hereditary; Hereditary neoplastic syndrome. Identifiers: Orphanet 140162, MedGen C0027672, MeSH D009386, MONDO:0015356.

Allele frequency attached by ClinVar (database versions not stated): 1000 Genomes Project 30x 0.00094; 1000 Genomes Project 0.00120; ExAC 0.00162; gnomAD exomes 0.00184; gnomAD 0.00200 and 0.00203; TOPMed 0.00207; ESP Exome Variant Server 0.00238.
gnomAD v4.1: 4,770 of 1,578,934 alleles (0.3%); highest among the groups gnomAD compares: Non-Finnish European, 0.37%; 4 homozygotes.

Submissions (19):

Labcorp Genetics (formerly Invitae), Labcorp
Classification: Benign for Melanoma, cutaneous malignant, susceptibility to, 8; Waardenburg syndrome type 2A; Tietz syndrome. Last evaluated: 2026-02-03. Review status: criteria provided, single submitter. Criteria: Invitae Variant Classification Sherloc (09022015). Collection method: clinical testing. Allele origin: germline.

Center for Genomic Medicine, Rigshospitalet, Copenhagen University Hospital
Classification: Likely benign. Last evaluated: 2025-03-04. Review status: criteria provided, single submitter. Criteria: ACMG Guidelines, 2015. Collection method: clinical testing. Allele origin: germline.

KCCC/NGS Laboratory, Kuwait Cancer Control Center
Classification: Benign for Waardenburg syndrome type 2A. Last evaluated: 2025-02-01. Review status: criteria provided, single submitter. Criteria: ACMG Guidelines, 2015. Collection method: clinical testing. Allele origin: germline. Affected: no.

Blueprint Genetics
Classification: Likely benign. Last evaluated: 2024-11-21. Review status: criteria provided, single submitter. Criteria: ACMG Guidelines, 2015. Collection method: clinical testing. Allele origin: germline.

Department of Pathology and Laboratory Medicine, Sinai Health System
Classification: Benign for Waardenburg syndrome type 2. Last evaluated: 2024-06-07. Review status: criteria provided, single submitter. Criteria: ACMG Guidelines, 2015. Collection method: clinical testing. Allele origin: germline. Affected: yes.

Hereditary Cancer Laboratory, Hospital Universitario 12 de Octubre
Classification: Likely benign for Hereditary cancer-predisposing syndrome. Last evaluated: 2024-05-28. Review status: criteria provided, single submitter. Criteria: ACMG Guidelines, 2015. Collection method: clinical testing. Allele origin: germline.
Comment: BS1 + BP4

KCCC/NGS Laboratory, Kuwait Cancer Control Center
Classification: Benign for Melanoma, cutaneous malignant, susceptibility to, 8. Last evaluated: 2023-07-07. Review status: criteria provided, single submitter. Criteria: ACMG Guidelines, 2015. Collection method: clinical testing. Allele origin: germline. Affected: yes.

Sema4
Classification: Likely benign for Hereditary cancer-predisposing syndrome. Last evaluated: 2020-12-22. Review status: criteria provided, single submitter. Criteria: Sema4 Curation Guidelines. Collection method: curation. Allele origin: germline.

Athena Diagnostics
Classification: Benign. Last evaluated: 2019-10-24. Review status: criteria provided, single submitter. Criteria: Athena Diagnostics Criteria. Collection method: clinical testing. Allele origin: unknown.

Illumina Laboratory Services, Illumina
Classification: Benign for Waardenburg syndrome type 2A. Last evaluated: 2018-01-13. Review status: criteria provided, single submitter. Criteria: ICSL Variant Classification Criteria 13 December 2019. Collection method: clinical testing. Allele origin: germline.
Comment: This variant was observed in the ICSL laboratory as part of a predisposition screen in an ostensibly healthy population. It had not been previously curated by ICSL or reported in the Human Gene Mutation Database (HGMD: prior to June 1st, 2018), and was therefore a candidate for classification through an automated scoring system. Utilizing variant allele frequency, disease prevalence and penetrance estimates, and inheritance mode, an automated score was calculated to assess if this variant is too frequent to cause the disease. Based on the score and internal cut-off values, a variant classified as benign is not then subjected to further curation. The score for this variant resulted in a classification of benign for this disease.

Illumina Laboratory Services, Illumina
Classification: Benign for Tietz syndrome. Last evaluated: 2018-01-13. Review status: criteria provided, single submitter. Criteria: ICSL Variant Classification Criteria 13 December 2019. Collection method: clinical testing. Allele origin: germline.
Comment: the same text as in the submission from Illumina Laboratory Services, Illumina above.

GeneDx
Classification: Likely benign. Last evaluated: 2017-08-29. Review status: criteria provided, single submitter. Criteria: GeneDx Variant Classification (06012015). Collection method: clinical testing. Allele origin: germline. Affected: yes.
Comment: This variant is considered likely benign or benign based on one or more of the following criteria: it is a conservative change, it occurs at a poorly conserved position in the protein, it is predicted to be benign by multiple in silico algorithms, and/or has population frequency not consistent with disease.

Women's Health and Genetics/Laboratory Corporation of America, LabCorp
Classification: Benign. Last evaluated: 2016-03-04. Review status: criteria provided, single submitter. Criteria: LabCorp Variant Classification Summary - May 2015. Collection method: clinical testing. Allele origin: germline.
Comment: Variant summary: c.559+9C>G affects a non-conserved nucleotide, resulting in an intronic change. Mutation taster predicts this variant to be a polymorphism. 4/5 in-silico tool predicts no significant changes on RNA splicing. ESEfinder predicts gain of binding motifs for RNA slicing enhancers. This variant was found in 196/120978 control chromosomes at a frequency of 0.0016201, which is more than 129 times of maximal expected frequency of a pathogenic allele (0.0000125), suggesting this variant is benign. . This variant has not been, to our knowledge, reported in affected individuals via publications/ clinical laboratories, or databases; nor evaluated for functional impact by in vivo/vitro studies. Taken together, this variant was classified as Benign.

Laboratory for Molecular Medicine, Mass General Brigham Personalized Medicine
Classification: Benign. Last evaluated: 2014-11-24. Review status: criteria provided, single submitter. Criteria: LMM Criteria. Collection method: clinical testing. Allele origin: germline. Observed: 14 variant alleles.
Comment: 880+9C>G in intron 6 of MITF: This variant is not expected to have clinical sign ificance because it is not located within the conserved splice consensus sequenc e. It has been identified in 0.3% (30/8600) of European American chromosomes fro m a broad population by the NHLBI Exome Sequencing Project (dbSNP rs181810413).

Breakthrough Genomics
Classification: Likely benign. Review status: criteria provided, single submitter. Criteria: ACMG Guidelines, 2015. Collection method: not provided. Allele origin: germline. Inheritance: Autosomal recessive inheritance. Affected: yes.

PreventionGenetics, part of Exact Sciences
Classification: Likely benign. Review status: criteria provided, single submitter. Criteria: ACMG Guidelines, 2015. Collection method: clinical testing. Allele origin: germline.

Clinical Genetics, Academic Medical Center
Classification: Benign. Review status: no assertion criteria provided. Collection method: clinical testing. Allele origin: germline. Affected: yes. Study: VKGL Data-share Consensus. Not counted in ClinVar's aggregate classification.

Genome Diagnostics Laboratory, Amsterdam University Medical Center
Classification: Likely benign. Review status: no assertion criteria provided. Collection method: clinical testing. Allele origin: germline. Affected: yes. Study: VKGL Data-share Consensus. Not counted in ClinVar's aggregate classification.

Joint Genome Diagnostic Labs from Nijmegen and Maastricht, Radboudumc and MUMC+
Classification: Likely benign. Review status: no assertion criteria provided. Collection method: clinical testing. Allele origin: germline. Affected: yes. Study: VKGL Data-share Consensus. Not counted in ClinVar's aggregate classification.